The following is an entry in ClinVar:

ClinVar aggregate classification (germline): Pathogenic (1 of 4 stars; one submission).

Conditions:
Combined immunodeficiency due to LRBA deficiency. Also called: Common variable immunodeficiency 8, with autoimmunity. Identifiers: Orphanet 445018, MedGen C3553512, MONDO:0013863, OMIM 614700.

Allele frequency attached by ClinVar (database versions not stated): gnomAD exomes below 0.00001.
gnomAD v4.1: 3 of 1,613,894 alleles (0.00019%); highest among the groups gnomAD compares: Non-Finnish European, 0.00025%; no homozygotes.

Submission:

Labcorp Genetics (formerly Invitae), Labcorp
Classification: Pathogenic for Combined immunodeficiency due to LRBA deficiency. Last evaluated: 2025-03-30. Review status: criteria provided, single submitter. Criteria: Invitae Variant Classification Sherloc (09022015). Collection method: clinical testing. Allele origin: germline.
Comment: This sequence change creates a premature translational stop signal (p.Arg2789*) in the LRBA gene. It is expected to result in an absent or disrupted protein product. Loss-of-function variants in LRBA are known to be pathogenic (PMID: 26206937, 26768763). This variant is not present in population databases (gnomAD no frequency). This variant has not been reported in the literature in individuals affected with LRBA-related conditions. ClinVar contains an entry for this variant (Variation ID: 648944). For these reasons, this variant has been classified as Pathogenic.

Literature cited by the submitters: PubMed 26206937; PubMed 26768763.

NM_001364905.1(LRBA):c.8332C>T (p.Arg2778Ter)

Gene: LRBA (LPS responsive beige-like anchor protein; minus strand). Cytogenetic location: 4q31.3.
Variant type: single nucleotide variant.
Coding change: c.8332C>T on transcript NM_001364905.1 (MANE Select); coding-DNA position 8332, C replaced by T.
Protein change: p.Arg2778Ter; replaces arginine 2778 with a stop codon.
Molecular consequence: nonsense.
Genome position (GRCh38, 1-based): chr4:150,277,989, G>A on the plus strand (C>T on the coding strand, the complement: LRBA is on the minus strand). VCF-style: chr4-150277989-G-A. GRCh37 (hg19) VCF-style: chr4-151199141-G-A.
Other names: c.8329C>T, p.Arg2777Ter (NM_001199282.3); c.8347C>T, p.Arg2783Ter (NM_001367550.1); c.8365C>T, p.Arg2789Ter (NM_006726.5); short protein forms R2777*, R2789*, R2778*, R2783*.
Identifiers: ClinVar variation 648944 (VCV000648944.6), dbSNP rs1580875488, ClinGen allele CA358438907.